The following is an entry in ClinVar:

ClinVar aggregate classification (germline): Uncertain significance (1 of 4 stars; one submission).

Allele frequency attached by ClinVar (database versions not stated): gnomAD exomes below 0.00001; TOPMed 0.00001; gnomAD 0.00002.
gnomAD v4.1: 5 of 1,612,690 alleles (0.00031%); highest among the groups gnomAD compares: African/African-American, 0.0067%; no homozygotes.

Submission:

GeneDx
Classification: Uncertain significance. Last evaluated: 2022-12-29. Review status: criteria provided, single submitter. Criteria: GeneDx Variant Classification Process June 2021. Collection method: clinical testing. Allele origin: germline. Affected: yes.
Comment: Not observed at significant frequency in large population cohorts (gnomAD); In silico analysis supports that this variant does not alter splicing; Has not been previously published as pathogenic or benign to our knowledge

NM_001363711.2(DUOX2):c.4080+5C>G

Gene: DUOX2 (dual oxidase 2; minus strand). Cytogenetic location: 15q21.1.
Variant type: single nucleotide variant.
Coding change: c.4080+5C>G on transcript NM_001363711.2 (MANE Select); 5 bases into the intron after coding-DNA position 4080, C replaced by G.
Molecular consequence: intron variant.
Genome position (GRCh38, 1-based): chr15:45,095,823, G>C on the plus strand (C>G on the coding strand, the complement: DUOX2 is on the minus strand). VCF-style: chr15-45095823-G-C. GRCh37 (hg19) VCF-style: chr15-45388021-G-C.
Other names: c.4080+5C>G (NM_014080.5).
Identifiers: ClinVar variation 2574220 (VCV002574220.1), dbSNP rs1397807319, ClinGen allele CA618006536.